The following is an entry in ClinVar:

ClinVar aggregate classification (germline): Uncertain significance (1 of 4 stars; one submission).

Conditions:
Hereditary cancer-predisposing syndrome. Also called: Neoplastic Syndromes, Hereditary; Tumor predisposition; Hereditary Cancer Syndrome; Hereditary neoplastic syndrome. Identifiers: Orphanet 140162, MedGen C0027672, MeSH D009386, MONDO:0015356.

Submission:

Ambry Genetics
Classification: Uncertain significance for Hereditary cancer-predisposing syndrome. Last evaluated: 2022-07-04. Review status: criteria provided, single submitter. Criteria: Ambry Variant Classification Scheme 2023. Collection method: clinical testing. Allele origin: germline.
Comment: The p.C1158S variant (also known as c.3473G>C), located in coding exon 6 of the MSH6 gene, results from a G to C substitution at nucleotide position 3473. The cysteine at codon 1158 is replaced by serine, an amino acid with dissimilar properties. This amino acid position is conserved. In addition, this alteration is predicted to be deleterious by in silico analysis. Since supporting evidence is limited at this time, the clinical significance of this alteration remains unclear.

NM_000179.3(MSH6):c.3473G>C (p.Cys1158Ser)

Gene: MSH6 (mutS homolog 6; plus strand). Cytogenetic location: 2p16.3.
Variant type: single nucleotide variant.
Coding change: c.3473G>C on transcript NM_000179.3 (MANE Select); coding-DNA position 3473, G replaced by C.
Protein change: p.Cys1158Ser; replaces cysteine 1158 with serine.
Molecular consequence: missense variant.
Genome position (GRCh38, 1-based): chr2:47,804,944, G>C. VCF-style: chr2-47804944-G-C. GRCh37 (hg19) VCF-style: chr2-48032083-G-C.
Other names: c.3083G>C, p.Cys1028Ser (NM_001281492.2); c.2567G>C, p.Cys856Ser (NM_001281493.2, NM_001281494.2, NM_001406811.1 and 6 more transcripts); c.3569G>C, p.Cys1190Ser (NM_001406795.1, NM_001406802.1); c.3473G>C, p.Cys1158Ser (NM_001406796.1, NM_001406800.1, NM_001406808.1 and 1 more transcripts); c.3176G>C, p.Cys1059Ser (NM_001406797.1, NM_001406801.1, NM_001406805.1 and 10 more transcripts); c.3299G>C, p.Cys1100Ser (NM_001406798.1); c.2948G>C, p.Cys983Ser (NM_001406799.1, NM_001406806.1, NM_001406807.1); c.2609G>C, p.Cys870Ser (NM_001406803.1); and 7 more; short protein forms C1028S, C1059S, C1132S, C856S, C107S, C1158S, C1190S, C1100S.
Identifiers: ClinVar variation 1731759 (VCV001731759.2), dbSNP rs879040298, ClinGen allele CA346760107.
Genomic context (GRCh38, chr2:47,804,944, plus strand): 5'-AAGACCTTTTCCTCCCTCATTCACAGGCTGGCTTATTAGCTGTAATGGCCCAGATGGGTT[G>C]TTACGTCCCTGCTGAAGTGTGCAGGCTCACACCAATTGATAGAGTGTTTACTAGACTTGG-3'
Protein context (NP_000170.1, residues 1148-1168): GLLAVMAQMG[Cys1158Ser]YVPAEVCRLT